The following is an entry in ClinVar:

NM_172107.4(KCNQ2):c.1600C>T (p.Pro534Ser)

Gene: KCNQ2 (potassium voltage-gated channel subfamily Q member 2; minus strand). Cytogenetic location: 20q13.33.
Variant type: single nucleotide variant.
Coding change: c.1600C>T on transcript NM_172107.4 (MANE Select); coding-DNA position 1600, C replaced by T.
Protein change: p.Pro534Ser; replaces proline 534 with serine.
Molecular consequence: missense variant.
Genome position (GRCh38, 1-based): chr20:63,414,119, G>A on the plus strand (C>T on the coding strand, the complement: KCNQ2 is on the minus strand). VCF-style: chr20-63414119-G-A. GRCh37 (hg19) VCF-style: chr20-62045472-G-A.
Other names: c.1546C>T, p.Pro516Ser (NM_001382235.1, NM_172106.3); c.1516C>T, p.Pro506Ser (NM_004518.6); c.1507C>T, p.Pro503Ser (NM_172108.5); c.1600C>T (NM_172107.2); short protein forms P534S, P503S, P506S, P516S.
Identifiers: ClinVar variation 2723501 (VCV002723501.4), dbSNP rs760066570, ClinGen allele CA9958398.
Genomic context (GRCh38, chr20:63,414,119, plus strand): 5'-CCAGGCTCCCGGCTGGGCAGGGGCCTCACCACACGGCTCTGATGCTGACTTTGAGGCCCG[G>A]GGTCAGGTCCTCGGTCACAAACTCGCAGGGGCAGCTCTTGTCATCCACAATGTCCTCTCC-3'
Protein context (NP_742105.1, residues 524-544): PCEFVTEDLT[Pro534Ser]GLKVSIRAVC

ClinVar aggregate classification (germline): Uncertain significance. Review status: criteria provided, multiple submitters, no conflicts (2 of 4 stars). 2 submissions from 2 submitters: Uncertain significance (2). Last evaluated 2024-08-05.

Conditions:
Early-infantile DEE. Also called: Early infantile epileptic encephalopathy; Early infantile epileptic encephalopathy with suppression bursts; Ohtahara syndrome. Identifiers: Orphanet 1934, MedGen C0393706, MONDO:0800491.
Inborn genetic diseases. Identifiers: MedGen C0950123, MeSH D030342.

Allele frequency attached by ClinVar (database versions not stated): ExAC 0.00001; gnomAD exomes below 0.00001.
gnomAD v4.1: 2 of 1,613,694 alleles (0.00012%); highest among the groups gnomAD compares: Non-Finnish European, 0.00017%; no homozygotes.

Submissions (2):

Ambry Genetics
Classification: Uncertain significance for Inborn genetic diseases. Last evaluated: 2024-08-05. Review status: criteria provided, single submitter. Criteria: Ambry Variant Classification Scheme 2023. Collection method: clinical testing. Allele origin: germline.

Labcorp Genetics (formerly Invitae), Labcorp
Classification: Uncertain significance for Early-infantile DEE. Last evaluated: 2022-12-20. Review status: criteria provided, single submitter. Criteria: Invitae Variant Classification Sherloc (09022015). Collection method: clinical testing. Allele origin: germline.
Comment: In summary, the available evidence is currently insufficient to determine the role of this variant in disease. Therefore, it has been classified as a Variant of Uncertain Significance. Advanced modeling of protein sequence and biophysical properties (such as structural, functional, and spatial information, amino acid conservation, physicochemical variation, residue mobility, and thermodynamic stability) performed at Invitae indicates that this missense variant is expected to disrupt KCNQ2 protein function. This variant has not been reported in the literature in individuals affected with KCNQ2-related conditions. This variant is present in population databases (rs760066570, gnomAD 0.0009%). This sequence change replaces proline, which is neutral and non-polar, with serine, which is neutral and polar, at codon 534 of the KCNQ2 protein (p.Pro534Ser).